The following is an entry in ClinVar:

ClinVar aggregate classification (germline): Uncertain significance. Review status: criteria provided, multiple submitters, no conflicts (2 of 4 stars). 2 submissions from 2 submitters: Uncertain significance (2). Last evaluated 2025-12-29.

Submissions (2):

Labcorp Genetics (formerly Invitae), Labcorp
Classification: Uncertain significance. Last evaluated: 2025-12-29. Review status: criteria provided, single submitter. Criteria: Invitae Variant Classification Sherloc (09022015). Collection method: clinical testing. Allele origin: germline.
Comment: This variant, c.1629_1637del, results in the deletion of 3 amino acid(s) of the DTHD1 protein (p.Gln544_Ile546del), but otherwise preserves the integrity of the reading frame. This variant is present in population databases (rs774117772, gnomAD 0.05%). This variant has not been reported in the literature in individuals affected with DTHD1-related conditions. ClinVar contains an entry for this variant (Variation ID: 852571). Experimental studies and prediction algorithms are not available or were not evaluated, and the functional significance of this variant is currently unknown. In summary, the available evidence is currently insufficient to determine the role of this variant in disease. Therefore, it has been classified as a Variant of Uncertain Significance.

Blueprint Genetics
Classification: Uncertain significance. Last evaluated: 2024-09-23. Review status: criteria provided, single submitter. Criteria: ACMG Guidelines, 2015. Collection method: clinical testing. Allele origin: germline.

NM_001170700.3(DTHD1):c.2499_2507del (p.Gln834_Ile836del)

Gene: DTHD1 (death domain containing 1; plus strand). Cytogenetic location: 4p14.
Variant type: Deletion.
Coding change: c.2499_2507del on transcript NM_001170700.3 (MANE Select); coding-DNA positions 2499 to 2507, 9 bases deleted (TCAGCTCAT; older notation c.2499_2507delTCAGCTCAT).
Protein change: p.Gln834_Ile836del.
Molecular consequence: inframe deletion. On other transcripts: non-coding transcript variant (2).
Genome position (GRCh38, 1-based): chr4:36,343,602-36,343,610, TCAGCTCAT deleted; deleting any 9 consecutive bases within chr4:36,343,599-36,343,610 gives the same sequence; the c. name uses the placement nearest the transcript's 3' end. VCF-style (leftmost placement, unchanged base first): chr4-36343598-CCATTCAGCT-C. GRCh37 (hg19) VCF-style: chr4-36345220-CCATTCAGCT-C.
Other names: c.1629_1637del, p.Gln544_Ile546del (NM_001136536.5); c.1508_1516del, p.Phe503_Ser505del (NM_001378435.1).
Identifiers: ClinVar variation 852571 (VCV000852571.8), dbSNP rs774117772, ClinGen allele CA2885747.